The following is an entry in ClinVar:

ClinVar aggregate classification (germline): Benign/Likely benign. Review status: criteria provided, multiple submitters, no conflicts (2 of 4 stars). 6 submissions from 6 submitters: Benign (3); Likely benign (3). Last evaluated 2026-02-02.

Conditions:
Severe intellectual disability-poor language-strabismus-grimacing face-long fingers syndrome (GAND). Also called: GAND SYNDROME. Identifiers: Orphanet 363686, MedGen C3554448, MONDO:0014034, OMIM 615074.

Allele frequency attached by ClinVar (database versions not stated): TOPMed 0.00573; ESP Exome Variant Server 0.00577; 1000 Genomes Project 30x 0.00796; gnomAD 0.00573; 1000 Genomes Project 0.00699.
gnomAD v4.1: 1,577 of 1,613,288 alleles (0.098%); highest among the groups gnomAD compares: African/African-American, 1.9%; 11 homozygotes.

Submissions (6):

Labcorp Genetics (formerly Invitae), Labcorp
Classification: Benign. Last evaluated: 2026-02-02. Review status: criteria provided, single submitter. Criteria: Invitae Variant Classification Sherloc (09022015). Collection method: clinical testing. Allele origin: germline.

Genome-Nilou Lab
Classification: Likely benign for Severe intellectual disability-poor language-strabismus-grimacing face-long fingers syndrome. Last evaluated: 2023-04-11. Review status: criteria provided, single submitter. Criteria: ACMG Guidelines, 2015. Collection method: clinical testing. Allele origin: germline. Affected: no.

GeneDx
Classification: Benign. Last evaluated: 2020-09-28. Review status: criteria provided, single submitter. Criteria: GeneDx Variant Classification Process June 2021. Collection method: clinical testing. Allele origin: germline. Affected: yes.

Center for Pediatric Genomic Medicine, Children's Mercy Hospital and Clinics
Classification: Likely benign. Last evaluated: 2016-12-02. Review status: criteria provided, single submitter. Criteria: ACMG Guidelines, 2015. Collection method: clinical testing. Allele origin: germline.
ClinVar note: Converted during submission from Likely Benign to Likely benign.

Genetic Services Laboratory, University of Chicago
Classification: Benign. Last evaluated: 2016-02-18. Review status: criteria provided, single submitter. Criteria: ACMG Guidelines, 2015. Collection method: clinical testing. Allele origin: germline. Affected: no.

Breakthrough Genomics
Classification: Likely benign. Review status: criteria provided, single submitter. Criteria: ACMG Guidelines, 2015. Collection method: not provided. Allele origin: germline. Inheritance: Autosomal dominant inheritance. Affected: yes.

NM_020699.4(GATAD2B):c.676C>G (p.Pro226Ala)

Gene: GATAD2B (GATA zinc finger domain containing 2B; minus strand). Cytogenetic location: 1q21.3.
Variant type: single nucleotide variant.
Coding change: c.676C>G on transcript NM_020699.4 (MANE Select); coding-DNA position 676, C replaced by G.
Protein change: p.Pro226Ala; replaces proline 226 with alanine.
Molecular consequence: missense variant.
Genome position (GRCh38, 1-based): chr1:153,818,093, G>C on the plus strand (C>G on the coding strand, the complement: GATAD2B is on the minus strand). VCF-style: chr1-153818093-G-C. GRCh37 (hg19) VCF-style: chr1-153790569-G-C.
Other names: short protein forms P226A.
Identifiers: ClinVar variation 129136 (VCV000129136.20), dbSNP rs115193744, ClinGen allele CA152944.